The following is an entry in ClinVar:

ClinVar aggregate classification (germline): Uncertain significance (1 of 4 stars; one submission).

Conditions:
Immunodeficiency 14 (IMD14A). Also called: ACTIVATED PI3K-DELTA SYNDROME 1; IMMUNODEFICIENCY 14A WITH LYMPHOPROLIFERATION, AUTOSOMAL DOMINANT; Activated PI3K Delta Syndrome Type 1 (APDS1); p110-DELTA-ACTIVATING MUTATION CAUSING SENESCENT T CELLS, LYMPHADENOPATHY, AND IMMUNODEFICIENCY. Identifiers: Orphanet 397596, Orphanet 693661, MedGen C5907821, MONDO:0014222, OMIM 615513.

Allele frequency attached by ClinVar (database versions not stated): gnomAD 0.00001 and 0.00002; ExAC 0.00002; gnomAD exomes 0.00002 and 0.00003; TOPMed 0.00002.
gnomAD v4.1: 41 of 1,613,674 alleles (0.0025%); highest among the groups gnomAD compares: South Asian, 0.03%; no homozygotes.

Submission:

Labcorp Genetics (formerly Invitae), Labcorp
Classification: Uncertain significance for Activated PI3K-delta syndrome. Last evaluated: 2025-10-03. Review status: criteria provided, single submitter. Criteria: Invitae Variant Classification Sherloc (09022015). Collection method: clinical testing. Allele origin: germline.
Comment: This sequence change replaces methionine, which is neutral and non-polar, with threonine, which is neutral and polar, at codon 424 of the PIK3CD protein (p.Met424Thr). This variant is present in population databases (rs755144547, gnomAD 0.02%). This variant has not been reported in the literature in individuals affected with PIK3CD-related conditions. ClinVar contains an entry for this variant (Variation ID: 951325). Invitae Evidence Modeling of protein sequence and biophysical properties (such as structural, functional, and spatial information, amino acid conservation, physicochemical variation, residue mobility, and thermodynamic stability) indicates that this missense variant is not expected to disrupt PIK3CD protein function with a negative predictive value of 80%. In summary, the available evidence is currently insufficient to determine the role of this variant in disease. Therefore, it has been classified as a Variant of Uncertain Significance.

NM_005026.5(PIK3CD):c.1271T>C (p.Met424Thr)

Genes: PIK3CD (phosphatidylinositol-4,5-bisphosphate 3-kinase catalytic subunit delta; plus strand), LOC126805612 (MED14-independent group 3 enhancer GRCh37_chr1:9778914-9780113; plus strand). Cytogenetic location: 1p36.22.
Variant type: single nucleotide variant.
Coding change: c.1271T>C on transcript NM_005026.5 (MANE Select); coding-DNA position 1271, T replaced by C.
Protein change: p.Met424Thr; replaces methionine 424 with threonine.
Molecular consequence: missense variant.
Genome position (GRCh38, 1-based): chr1:9,719,949, T>C. VCF-style: chr1-9719949-T-C. GRCh37 (hg19) VCF-style: chr1-9780007-T-C.
Other names: c.1271T>C, p.Met424Thr (NM_001350234.2); c.1184T>C, p.Met395Thr (NM_001350235.1); short protein forms M424T, M395T.
Identifiers: ClinVar variation 951325 (VCV000951325.8), dbSNP rs755144547, ClinGen allele CA577141.
Genomic context (GRCh38, chr1:9,719,949, plus strand): 5'-TGGCTGTCCTCACCTGCCCTGTCCTTCTGCAGGACTGCCCCATTGCCTGGGCCAACCTCA[T>C]GCTGTTTGACTACAAGGACCAGCTTAAGACCGGGGAACGCTGCCTCTACATGTGGCCCTC-3'
Protein context (NP_005017.3, residues 414-434): ADCPIAWANL[Met424Thr]LFDYKDQLKT